The following is an entry in ClinVar:

NM_024105.4(ALG12):c.1300A>G (p.Met434Val)

Gene: ALG12 (ALG12 alpha-1,6-mannosyltransferase; minus strand). Cytogenetic location: 22q13.33.
Variant type: single nucleotide variant.
Coding change: c.1300A>G on transcript NM_024105.4 (MANE Select); coding-DNA position 1300, A replaced by G.
Protein change: p.Met434Val; replaces methionine 434 with valine.
Molecular consequence: missense variant.
Genome position (GRCh38, 1-based): chr22:49,904,005, T>C on the plus strand (A>G on the coding strand, the complement: ALG12 is on the minus strand). VCF-style: chr22-49904005-T-C. GRCh37 (hg19) VCF-style: chr22-50297653-T-C.
Other names: short protein forms M434V.
Identifiers: ClinVar variation 3110875 (VCV003110875.2), dbSNP rs748669303, ClinGen allele CA10300251.

ClinVar aggregate classification (germline): Uncertain significance. Review status: criteria provided, single submitter (1 of 4 stars). 2 submissions from 2 submitters: Uncertain significance (1). 1 of the submissions does not count toward it. Last evaluated 2023-12-22.

Conditions:
Inborn genetic diseases. Identifiers: MedGen C0950123, MeSH D030342.
ALG12-related disorder. Also called: ALG12-related condition.

Allele frequency attached by ClinVar (database versions not stated): ExAC 0.00001; gnomAD exomes 0.00002; gnomAD 0.00003; TOPMed 0.00003.
gnomAD v4.1: 20 of 1,614,070 alleles (0.0012%); highest among the groups gnomAD compares: Non-Finnish European, 0.0017%; no homozygotes.

Submissions (2):

Ambry Genetics
Classification: Uncertain significance for Inborn genetic diseases. Last evaluated: 2023-12-22. Review status: criteria provided, single submitter. Criteria: Ambry Variant Classification Scheme 2023. Collection method: clinical testing. Allele origin: germline.

PreventionGenetics, part of Exact Sciences
Classification: Uncertain significance for ALG12-related condition. Last evaluated: 2024-05-30. Review status: no assertion criteria provided. Collection method: clinical testing. Allele origin: germline. Not counted in ClinVar's aggregate classification.
Comment: The ALG12 c.1300A>G variant is predicted to result in the amino acid substitution p.Met434Val. To our knowledge, this variant has not been reported in the literature. This variant is reported in 0.00088% of alleles in individuals of European (Non-Finnish) descent in gnomAD. At this time, the clinical significance of this variant is uncertain due to the absence of conclusive functional and genetic evidence.